The following is an entry in ClinVar:

NM_032492.4(JAGN1):c.24_60del (p.Ala9fs)

Gene: JAGN1 (jagunal vesicle mediated transporter 1; plus strand). Cytogenetic location: 3p25.3.
Variant type: Deletion.
Coding change: c.24_60del on transcript NM_032492.4 (MANE Select); coding-DNA positions 24 to 60, 37 bases deleted.
Protein change: p.Ala9fs; shifts the reading frame from alanine 9.
Molecular consequence: frameshift variant. On other transcripts: 5 prime UTR variant (1).
Genome position (GRCh38, 1-based): chr3:9,890,746-9,890,782, 37 bases deleted; deleting any 37 consecutive bases within chr3:9,890,745-9,890,782 gives the same sequence; the c. name uses the placement nearest the transcript's 3' end. GRCh37 (hg19): chr3:9,932,430-9,932,466.
Other names: c.-245_-209del (NM_001363890.1); short protein forms A9fs.
Identifiers: ClinVar variation 2131310 (VCV002131310.4), dbSNP rs2469941860, ClinGen allele CA2580070616.

ClinVar aggregate classification (germline): Uncertain significance (1 of 4 stars; one submission).

Conditions:
Autosomal recessive severe congenital neutropenia due to JAGN1 deficiency. Also called: Severe congenital neutropenia 6, autosomal recessive. Identifiers: Orphanet 423384, MedGen C4014954, MONDO:0014456, OMIM 616022.

Submission:

Labcorp Genetics (formerly Invitae), Labcorp
Classification: Uncertain significance for Autosomal recessive severe congenital neutropenia due to JAGN1 deficiency. Last evaluated: 2022-04-28. Review status: criteria provided, single submitter. Criteria: Invitae Variant Classification Sherloc (09022015). Collection method: clinical testing. Allele origin: germline.
Comment: In summary, the available evidence is currently insufficient to determine the role of this variant in disease. Therefore, it has been classified as a Variant of Uncertain Significance. Algorithms developed to predict the effect of sequence changes on RNA splicing suggest that this variant may create or strengthen a splice site. This variant has not been reported in the literature in individuals affected with JAGN1-related conditions. This variant is not present in population databases (gnomAD no frequency). This sequence change creates a premature translational stop signal (p.Ala9Serfs*9) in the JAGN1 gene. While this is not anticipated to result in nonsense mediated decay, it is expected to disrupt the last 175 amino acid(s) of the JAGN1 protein.